The following is an entry in ClinVar:

ClinVar aggregate classification (germline): Uncertain significance (1 of 4 stars; one submission).

Conditions:
Cardiovascular phenotype. Identifiers: MedGen CN230736.

gnomAD v4.1: 1 of 1,614,054 alleles (0.000062%); no homozygotes.

Submission:

Ambry Genetics
Classification: Uncertain significance for Cardiovascular phenotype. Last evaluated: 2022-12-07. Review status: criteria provided, single submitter. Criteria: Ambry Variant Classification Scheme 2023. Collection method: clinical testing. Allele origin: germline.
Comment: The p.S808R variant (also known as c.2424C>G), located in coding exon 6 of the ALPK3 gene, results from a C to G substitution at nucleotide position 2424. The serine at codon 808 is replaced by arginine, an amino acid with dissimilar properties. This amino acid position is conserved. In addition, this alteration is predicted to be tolerated by in silico analysis. Since supporting evidence is limited at this time, the clinical significance of this alteration remains unclear.

NM_020778.5(ALPK3):c.1818C>G (p.Ser606Arg)

Gene: ALPK3 (alpha kinase 3; plus strand). Cytogenetic location: 15q25.3.
Variant type: single nucleotide variant.
Coding change: c.1818C>G on transcript NM_020778.5 (MANE Select); coding-DNA position 1818, C replaced by G.
Protein change: p.Ser606Arg; replaces serine 606 with arginine.
Molecular consequence: missense variant.
Genome position (GRCh38, 1-based): chr15:84,856,556, C>G. VCF-style: chr15-84856556-C-G. GRCh37 (hg19) VCF-style: chr15-85399787-C-G.
Other names: short protein forms S606R.
Identifiers: ClinVar variation 2449097 (VCV002449097.2), dbSNP rs2505719015, ClinGen allele CA393354836.
Genomic context (GRCh38, chr15:84,856,556, plus strand): 5'-ACCCATGGATATGGAAACCCAGGAGGATGGGAGAACATCTGCTAACCAGAGAACTGGAAG[C>G]AAGAAGAATGTGCAGGCAGATGGGAAGATACAAGTGGATGGAAGGACCAGGGGAGATGGA-3'
Protein context (NP_065829.4, residues 596-616): GRTSANQRTG[Ser606Arg]KKNVQADGKI